The following is an entry in ClinVar:

ClinVar aggregate classification (germline): Uncertain significance (1 of 4 stars; one submission).

Submission:

GeneDx
Classification: Uncertain significance. Last evaluated: 2016-12-05. Review status: criteria provided, single submitter. Criteria: GeneDx Variant Classification (06012015). Collection method: clinical testing. Allele origin: germline. Affected: yes.
Comment: This variant is denoted TSC1 c.1670T>C at the cDNA level, p.Leu557Pro (L557P) at the protein level, and results in the change of a Leucine to a Proline (CTG>CCG). This variant has not, to our knowledge, been published in the literature as pathogenic or benign. TSC1 Leu557Pro was not observed in approximately 6,500 individuals of European and African American ancestry in the NHLBI Exome Sequencing Project, suggesting it is not a common benign variant in these populations. Since Leucine and Proline differ in some properties, this is considered a semi-conservative amino acid substitution. TSC1 Leu557Pro occurs at a position that is not conserved and is not located in a known functional domain. In silico analyses predict that this variant is unlikely to alter protein structure or function. Based on currently available evidence, it is unclear whether TSC1 Leu557Pro is a pathogenic or benign variant. We consider it to be a variant of uncertain significance.

NM_000368.5(TSC1):c.1670T>C (p.Leu557Pro)

Gene: TSC1 (TSC complex subunit 1; minus strand). Cytogenetic location: 9q34.13.
Variant type: single nucleotide variant.
Coding change: c.1670T>C on transcript NM_000368.5 (MANE Select); coding-DNA position 1670, T replaced by C.
Protein change: p.Leu557Pro; replaces leucine 557 with proline.
Molecular consequence: missense variant.
Genome position (GRCh38, 1-based): chr9:132,905,908, A>G on the plus strand (T>C on the coding strand, the complement: TSC1 is on the minus strand). VCF-style: chr9-132905908-A-G. GRCh37 (hg19) VCF-style: chr9-135781295-A-G.
Other names: c.1667T>C, p.Leu556Pro (NM_001162426.2); c.1517T>C, p.Leu506Pro (NM_001162427.2); c.1307T>C, p.Leu436Pro (NM_001362177.2); short protein forms L557P, L556P, L506P, L436P.
Identifiers: ClinVar variation 422849 (VCV000422849.2), dbSNP rs1064796040, ClinGen allele CA16618770.